The following is an entry in ClinVar:

NM_004655.4(AXIN2):c.918G>C (p.Ala306=)

Gene: AXIN2 (axin 2; minus strand). Cytogenetic location: 17q24.1.
Variant type: single nucleotide variant.
Coding change: c.918G>C on transcript NM_004655.4 (MANE Select); coding-DNA position 918, G replaced by C.
Protein change: p.Ala306=; no amino-acid change (alanine 306 retained).
Molecular consequence: synonymous variant.
Genome position (GRCh38, 1-based): chr17:65,549,558, C>G on the plus strand (G>C on the coding strand, the complement: AXIN2 is on the minus strand). VCF-style: chr17-65549558-C-G. GRCh37 (hg19) VCF-style: chr17-63545676-C-G.
Other names: c.918G>C, p.Ala306= (NM_001363813.1).
Identifiers: ClinVar variation 756865 (VCV000756865.12), dbSNP rs746140442, ClinGen allele CA8718943.

ClinVar aggregate classification (germline): Benign/Likely benign. Review status: criteria provided, multiple submitters, no conflicts (2 of 4 stars). 3 submissions from 3 submitters: Benign (1); Likely benign (2). Last evaluated 2025-08-11.

Conditions:
Oligodontia-cancer predisposition syndrome. Also called: TOOTH AGENESIS-COLORECTAL CANCER SYNDROME. Identifiers: Orphanet 300576, MedGen C1837750, MONDO:0012075, OMIM 608615. Disease mechanism: loss of function.

gnomAD v4.1: 2 of 1,611,340 alleles (0.00012%); highest among the groups gnomAD compares: Middle Eastern, 0.033%; no homozygotes.

Submissions (3):

Labcorp Genetics (formerly Invitae), Labcorp
Classification: Likely benign for Oligodontia-cancer predisposition syndrome. Last evaluated: 2025-08-11. Review status: criteria provided, single submitter. Criteria: Invitae Variant Classification Sherloc (09022015). Collection method: clinical testing. Allele origin: germline.

Myriad Genetics, Inc.
Classification: Benign for Oligodontia-cancer predisposition syndrome. Last evaluated: 2024-06-28. Review status: criteria provided, single submitter. Criteria: Myriad Autosomal Dominant, Autosomal Recessive and X-Linked Classification Criteria (2023). Collection method: clinical testing. Allele origin: unknown.
Comment: This variant is considered benign. This variant is a silent/synonymous amino acid change and it is not expected to impact splicing.

Blueprint Genetics
Classification: Likely benign. Last evaluated: 2023-02-02. Review status: criteria provided, single submitter. Criteria: ACMG Guidelines, 2015. Collection method: clinical testing. Allele origin: germline.